The following is an entry in ClinVar:

NM_005732.4(RAD50):c.647A>G (p.Tyr216Cys)

Gene: RAD50 (RAD50 double strand break repair protein; plus strand). Cytogenetic location: 5q31.1.
Variant type: single nucleotide variant.
Coding change: c.647A>G on transcript NM_005732.4 (MANE Select); coding-DNA position 647, A replaced by G.
Protein change: p.Tyr216Cys; replaces tyrosine 216 with cysteine.
Molecular consequence: missense variant.
Genome position (GRCh38, 1-based): chr5:132,579,957, A>G. VCF-style: chr5-132579957-A-G. GRCh37 (hg19) VCF-style: chr5-131915649-A-G.
Other names: short protein forms Y216C.
Identifiers: ClinVar variation 578214 (VCV000578214.9), dbSNP rs1561636222, ClinGen allele CA360936139.

ClinVar aggregate classification (germline): Uncertain significance (1 of 4 stars; one submission).

Conditions:
Hereditary cancer-predisposing syndrome. Also called: Tumor predisposition; Hereditary neoplastic syndrome; Hereditary Cancer Syndrome; Neoplastic Syndromes, Hereditary. Identifiers: Orphanet 140162, MedGen C0027672, MeSH D009386, MONDO:0015356.

Allele frequency attached by ClinVar (database versions not stated): gnomAD exomes below 0.00001.
gnomAD v4.1: 2 of 1,611,900 alleles (0.00012%); highest among the groups gnomAD compares: African/African-American, 0.0013%; no homozygotes.

Submission:

Labcorp Genetics (formerly Invitae), Labcorp
Classification: Uncertain significance for Hereditary cancer-predisposing syndrome. Last evaluated: 2021-11-26. Review status: criteria provided, single submitter. Criteria: Invitae Variant Classification Sherloc (09022015). Collection method: clinical testing. Allele origin: germline.
Comment: Algorithms developed to predict the effect of sequence changes on RNA splicing suggest that this variant may create or strengthen a splice site. Algorithms developed to predict the effect of missense changes on protein structure and function (SIFT, PolyPhen-2, Align-GVGD) all suggest that this variant is likely to be tolerated. ClinVar contains an entry for this variant (Variation ID: 578214). This variant has not been reported in the literature in individuals affected with RAD50-related conditions. This variant is not present in population databases (gnomAD no frequency). This sequence change replaces tyrosine, which is neutral and polar, with cysteine, which is neutral and slightly polar, at codon 216 of the RAD50 protein (p.Tyr216Cys). In summary, the available evidence is currently insufficient to determine the role of this variant in disease. Therefore, it has been classified as a Variant of Uncertain Significance.